The following is an entry in ClinVar:

NM_001165963.4(SCN1A):c.1827T>C (p.Phe609=)

Gene: SCN1A (sodium voltage-gated channel alpha subunit 1; minus strand). Cytogenetic location: 2q24.3.
Variant type: single nucleotide variant.
Coding change: c.1827T>C on transcript NM_001165963.4 (MANE Select); coding-DNA position 1827, T replaced by C.
Protein change: p.Phe609=; no amino-acid change (phenylalanine 609 retained).
Molecular consequence: synonymous variant. On other transcripts: 5 prime UTR variant (1), non-coding transcript variant (1).
Genome position (GRCh38, 1-based): chr2:166,043,885, A>G on the plus strand (T>C on the coding strand, the complement: SCN1A is on the minus strand). VCF-style: chr2-166043885-A-G. GRCh37 (hg19) VCF-style: chr2-166900395-A-G.
Other names: c.1827T>C, p.Phe609= (NM_001165964.3, NM_001202435.3, NM_001353948.2 and 7 more transcripts); c.1824T>C, p.Phe608= (NM_001353954.2, NM_001353955.2, NM_001353960.2); c.-599T>C (NM_001353961.2).
Identifiers: ClinVar variation 734438 (VCV000734438.20), dbSNP rs769310645, ClinGen allele CA1943243.

ClinVar aggregate classification (germline): Likely benign. Review status: criteria provided, multiple submitters, no conflicts (2 of 4 stars). 3 submissions from 3 submitters: Likely benign (3). Last evaluated 2025-03-27.

Conditions:
Early-infantile DEE. Also called: Early infantile epileptic encephalopathy; Early infantile epileptic encephalopathy with suppression bursts; Ohtahara syndrome. Identifiers: Orphanet 1934, MedGen C0393706, MONDO:0800491.

Allele frequency attached by ClinVar (database versions not stated): TOPMed below 0.00001; ExAC 0.00001; gnomAD exomes 0.00001.
gnomAD v4.1: 11 of 1,614,174 alleles (0.00068%); highest among the groups gnomAD compares: Non-Finnish European, 0.00093%; no homozygotes.

Submissions (3):

Labcorp Genetics (formerly Invitae), Labcorp
Classification: Likely benign for Early-infantile DEE. Last evaluated: 2025-03-27. Review status: criteria provided, single submitter. Criteria: Invitae Variant Classification Sherloc (09022015). Collection method: clinical testing. Allele origin: germline.

CeGaT Center for Human Genetics Tuebingen
Classification: Likely benign. Last evaluated: 2024-12-01. Review status: criteria provided, single submitter. Criteria: CeGaT Center For Human Genetics Tuebingen Variant Classification Criteria Version 2. Collection method: clinical testing. Allele origin: germline. Affected: yes. Observed: 1 variant allele.
Comment: SCN1A: BP4, BP7

Blueprint Genetics
Classification: Likely benign. Last evaluated: 2024-06-20. Review status: criteria provided, single submitter. Criteria: ACMG Guidelines, 2015. Collection method: clinical testing. Allele origin: germline.